The following is an entry in ClinVar:

NM_133497.4(KCNV2):c.676G>A (p.Val226Ile)

Gene: KCNV2 (potassium voltage-gated channel modifier subfamily V member 2; plus strand). Cytogenetic location: 9p24.2.
Variant type: single nucleotide variant.
Coding change: c.676G>A on transcript NM_133497.4 (MANE Select); coding-DNA position 676, G replaced by A.
Protein change: p.Val226Ile; replaces valine 226 with isoleucine.
Molecular consequence: missense variant.
Genome position (GRCh38, 1-based): chr9:2,718,415, G>A. VCF-style: chr9-2718415-G-A. GRCh37 (hg19) VCF-style: chr9-2718415-G-A.
Other names: short protein forms V226I.
Identifiers: ClinVar variation 96360 (VCV000096360.21), dbSNP rs74587818, ClinGen allele CA149463.

ClinVar aggregate classification (germline): Benign. Review status: criteria provided, multiple submitters, no conflicts (2 of 4 stars). 6 submissions from 6 submitters: Benign (4). 2 of the submissions do not count toward it. Last evaluated 2026-01-26.

Conditions:
Cone dystrophy with supernormal rod response (CDSRR). Also called: CONE DYSTROPHY WITH SUPERNORMAL ROD RESPONSES. Identifiers: Orphanet 209932, MedGen C1835897, MONDO:0012475, OMIM 610356.

Allele frequency attached by ClinVar (database versions not stated): 1000 Genomes Project 0.00399; TOPMed 0.00747; gnomAD 0.00669; ESP Exome Variant Server 0.00781; 1000 Genomes Project 30x 0.00468.
gnomAD v4.1: 1,990 of 1,603,834 alleles (0.12%); highest among the groups gnomAD compares: African/African-American, 2.4%; 26 homozygotes.

Submissions (6):

Labcorp Genetics (formerly Invitae), Labcorp
Classification: Benign. Last evaluated: 2026-01-26. Review status: criteria provided, single submitter. Criteria: Invitae Variant Classification Sherloc (09022015). Collection method: clinical testing. Allele origin: germline.

Illumina Laboratory Services, Illumina
Classification: Benign for Cone dystrophy with supernormal rod response. Last evaluated: 2018-01-12. Review status: criteria provided, single submitter. Criteria: ICSL Variant Classification Criteria 13 December 2019. Collection method: clinical testing. Allele origin: germline.
Comment: This variant was observed in the ICSL laboratory as part of a predisposition screen in an ostensibly healthy population. It had not been previously curated by ICSL or reported in the Human Gene Mutation Database (HGMD: prior to June 1st, 2018), and was therefore a candidate for classification through an automated scoring system. Utilizing variant allele frequency, disease prevalence and penetrance estimates, and inheritance mode, an automated score was calculated to assess if this variant is too frequent to cause the disease. Based on the score and internal cut-off values, a variant classified as benign is not then subjected to further curation. The score for this variant resulted in a classification of benign for this disease.

Eurofins Ntd Llc (ga)
Classification: Benign. Last evaluated: 2013-08-09. Review status: criteria provided, single submitter. Criteria: EGL Classification Definitions 2015. Collection method: clinical testing. Allele origin: germline. Observed: 1 variant allele, 1 heterozygote.

Breakthrough Genomics
Classification: Benign. Review status: criteria provided, single submitter. Criteria: ACMG Guidelines, 2015. Collection method: not provided. Allele origin: germline. Inheritance: Autosomal recessive inheritance. Affected: yes.

Clinical Genetics DNA and cytogenetics Diagnostics Lab, Erasmus MC, Erasmus Medical Center
Classification: Benign. Review status: no assertion criteria provided. Collection method: clinical testing. Allele origin: germline. Affected: yes. Study: VKGL Data-share Consensus. Not counted in ClinVar's aggregate classification.

Clinical Genetics, Academic Medical Center
Classification: Benign. Review status: no assertion criteria provided. Collection method: clinical testing. Allele origin: germline. Affected: yes. Study: VKGL Data-share Consensus. Not counted in ClinVar's aggregate classification.